The following is an entry in ClinVar:

ClinVar aggregate classification (germline): Uncertain significance. Review status: criteria provided, multiple submitters, no conflicts (2 of 4 stars). 2 submissions from 2 submitters: Uncertain significance (2). Last evaluated 2024-05-04.

Conditions:
RASopathy. Also called: rasopathies; Noonan spectrum disorder. Identifiers: Orphanet 536391, MedGen C5555857, MONDO:0021060.

Submissions (2):

Labcorp Genetics (formerly Invitae), Labcorp
Classification: Uncertain significance for RASopathy. Last evaluated: 2024-05-04. Review status: criteria provided, single submitter. Criteria: Invitae Variant Classification Sherloc (09022015). Collection method: clinical testing. Allele origin: germline.
Comment: This sequence change replaces aspartic acid, which is acidic and polar, with valine, which is neutral and non-polar, at codon 94 of the PTPN11 protein (p.Asp94Val). This variant is not present in population databases (gnomAD no frequency). This variant has not been reported in the literature in individuals affected with PTPN11-related conditions. ClinVar contains an entry for this variant (Variation ID: 1698190). Advanced modeling of protein sequence and biophysical properties (such as structural, functional, and spatial information, amino acid conservation, physicochemical variation, residue mobility, and thermodynamic stability) performed at Invitae indicates that this missense variant is expected to disrupt PTPN11 protein function with a positive predictive value of 95%. In summary, the available evidence is currently insufficient to determine the role of this variant in disease. Therefore, it has been classified as a Variant of Uncertain Significance.

GeneDx
Classification: Uncertain significance. Last evaluated: 2022-01-21. Review status: criteria provided, single submitter. Criteria: GeneDx Variant Classification Process June 2021. Collection method: clinical testing. Allele origin: germline. Affected: yes.
Comment: Not observed at significant frequency in large population cohorts (gnomAD); Missense variants in this gene are often considered pathogenic (HGMD); In silico analysis supports that this missense variant has a deleterious effect on protein structure/function; Has not been previously published as pathogenic or benign to our knowledge

NM_002834.5(PTPN11):c.281A>T (p.Asp94Val)

Gene: PTPN11 (protein tyrosine phosphatase non-receptor type 11; plus strand). Cytogenetic location: 12q24.13.
Variant type: single nucleotide variant.
Coding change: c.281A>T on transcript NM_002834.5 (MANE Select); coding-DNA position 281, A replaced by T.
Protein change: p.Asp94Val; replaces aspartic acid 94 with valine.
Molecular consequence: missense variant.
Genome position (GRCh38, 1-based): chr12:112,450,461, A>T. VCF-style: chr12-112450461-A-T. GRCh37 (hg19) VCF-style: chr12-112888265-A-T.
Other names: c.281A>T, p.Asp94Val (NM_001330437.2, NM_080601.3); c.278A>T, p.Asp93Val (NM_001374625.1); short protein forms D93V, D94V.
Identifiers: ClinVar variation 1698190 (VCV001698190.4), dbSNP rs2135862786, ClinGen allele CA386778196.